The following is an entry in ClinVar:

ClinVar aggregate classification (germline): Uncertain significance (1 of 4 stars; one submission).

Conditions:
Centromeric instability of chromosomes 1,9 and 16 and immunodeficiency (ICF1). Also called: CENTROMERIC INSTABILITY, IMMUNODEFICIENCY SYNDROME; Immunodeficiency-centromeric instability-facial anomalies; IMMUNE DEFICIENCY, VARIABLE, WITH CENTROMERIC INSTABILITY OF CHROMOSOMES 1, 9, AND 16; IMMUNODEFICIENCY SYNDROME, VARIABLE. Identifiers: Orphanet 2268, MedGen C0398788, MONDO:0000133.

gnomAD v4.1: 1 of 1,613,922 alleles (0.000062%); highest among the groups gnomAD compares: African/African-American, 0.0013%; no homozygotes.

Submission:

Labcorp Genetics (formerly Invitae), Labcorp
Classification: Uncertain significance for Centromeric instability of chromosomes 1,9 and 16 and immunodeficiency. Last evaluated: 2022-08-16. Review status: criteria provided, single submitter. Criteria: Invitae Variant Classification Sherloc (09022015). Collection method: clinical testing. Allele origin: germline.
Comment: This sequence change replaces serine, which is neutral and polar, with cysteine, which is neutral and slightly polar, at codon 136 of the DNMT3B protein (p.Ser136Cys). In summary, the available evidence is currently insufficient to determine the role of this variant in disease. Therefore, it has been classified as a Variant of Uncertain Significance. Algorithms developed to predict the effect of missense changes on protein structure and function are either unavailable or do not agree on the potential impact of this missense change (SIFT: "Tolerated"; PolyPhen-2: "Possibly Damaging"; Align-GVGD: "Class C0"). This variant has not been reported in the literature in individuals affected with DNMT3B-related conditions. This variant is not present in population databases (gnomAD no frequency).

NM_006892.4(DNMT3B):c.407C>G (p.Ser136Cys)

Gene: DNMT3B (DNA methyltransferase 3 beta; plus strand). Cytogenetic location: 20q11.21.
Variant type: single nucleotide variant.
Coding change: c.407C>G on transcript NM_006892.4 (MANE Select); coding-DNA position 407, C replaced by G.
Protein change: p.Ser136Cys; replaces serine 136 with cysteine.
Molecular consequence: missense variant. On other transcripts: intron variant (2).
Genome position (GRCh38, 1-based): chr20:32,786,602, C>G. VCF-style: chr20-32786602-C-G. GRCh37 (hg19) VCF-style: chr20-31374408-C-G.
Other names: c.407C>G, p.Ser136Cys (NM_175848.2, NM_175849.2); c.443C>G, p.Ser148Cys (NM_175850.3); c.307-628C>G (NM_001207055.2); c.205-628C>G (NM_001207056.2); short protein forms S136C, S148C.
Identifiers: ClinVar variation 2096770 (VCV002096770.4), dbSNP rs762297902, ClinGen allele CA408586357.